The following is an entry in ClinVar:

NM_000017.4(ACADS):c.431C>G (p.Thr144Ser)

Gene: ACADS (acyl-CoA dehydrogenase short chain; plus strand). Cytogenetic location: 12q24.31.
Variant type: single nucleotide variant.
Coding change: c.431C>G on transcript NM_000017.4 (MANE Select); coding-DNA position 431, C replaced by G.
Protein change: p.Thr144Ser; replaces threonine 144 with serine.
Molecular consequence: missense variant.
Genome position (GRCh38, 1-based): chr12:120,737,426, C>G. VCF-style: chr12-120737426-C-G. GRCh37 (hg19) VCF-style: chr12-121175229-C-G.
Other names: c.431C>G, p.Thr144Ser (NM_001302554.2); short protein forms T144S.
Identifiers: ClinVar variation 4882759 (VCV004882759.2).

ClinVar aggregate classification (germline): Uncertain significance (1 of 4 stars; one submission).

Submission:

Dasa
Classification: Uncertain significance. Last evaluated: 2025-01-06. Review status: criteria provided, single submitter. Criteria: DASA Assertion Criteria. Collection method: clinical testing. Allele origin: germline.
Comment: NM_000017.4(ACADS):c.431C>G (p.Thr144Ser) is a missense variant that results in the substitution of threonine with serine. This variant is absent from population databases. The currently available literature and clinical evidence are not sufficient to establish a definitive association between this variant and the reported condition. Therefore, this variant is classified as a variant of uncertain significance.